The following is an entry in ClinVar:

NM_000352.6(ABCC8):c.498G>T (p.Gln166His)

Gene: ABCC8 (ATP binding cassette subfamily C member 8; minus strand). Cytogenetic location: 11p15.1.
Variant type: single nucleotide variant.
Coding change: c.498G>T on transcript NM_000352.6 (MANE Select); coding-DNA position 498, G replaced by T.
Protein change: p.Gln166His; replaces glutamine 166 with histidine.
Molecular consequence: missense variant. On other transcripts: non-coding transcript variant (1).
Genome position (GRCh38, 1-based): chr11:17,463,519, C>A on the plus strand (G>T on the coding strand, the complement: ABCC8 is on the minus strand). VCF-style: chr11-17463519-C-A. GRCh37 (hg19) VCF-style: chr11-17485066-C-A.
Other names: c.498G>T, p.Gln166His (NM_001287174.3, NM_001351295.2, NM_001351296.2 and 1 more transcripts); short protein forms Q166H.
Identifiers: ClinVar variation 4976375 (VCV004976375.1).
Genomic context (GRCh38, chr11:17,463,519, plus strand): 5'-CTCCACGAGGAGCAGCATCCCATAGAGGATCACCAGCAGCCCTGTGAGGCAGAAGCGTAG[C>A]TGCGAGAAGCCGATGGCGTGGTCCAAGAACTTGACAAACTTGATGGTCTTGGTGATGAAG-3'
Protein context (NP_000343.2, residues 156-176): KFLDHAIGFS[Gln166His]LRFCLTGLLV

ClinVar aggregate classification (germline): Uncertain significance (1 of 4 stars; one submission).

Submission:

GeneDx
Classification: Uncertain significance. Last evaluated: 2026-02-06. Review status: criteria provided, single submitter. Criteria: GeneDx Variant Classification Process June 2021. Collection method: clinical testing. Allele origin: germline.
Comment: Not observed at significant frequency in large population cohorts (gnomAD); In silico analysis suggests that this missense variant does not alter protein structure/function; Has not been previously published as pathogenic or benign to our knowledge